The following is an entry in ClinVar:

NM_006073.4(TRDN):c.713A>G (p.Lys238Arg)

Gene: TRDN (triadin; minus strand). Cytogenetic location: 6q22.31.
Variant type: single nucleotide variant.
Coding change: c.713A>G on transcript NM_006073.4 (MANE Select); coding-DNA position 713, A replaced by G.
Protein change: p.Lys238Arg; replaces lysine 238 with arginine.
Molecular consequence: missense variant.
Genome position (GRCh38, 1-based): chr6:123,503,799, T>C on the plus strand (A>G on the coding strand, the complement: TRDN is on the minus strand). VCF-style: chr6-123503799-T-C. GRCh37 (hg19) VCF-style: chr6-123824944-T-C.
Other names: c.713A>G, p.Lys238Arg (NM_001251987.2, NM_001256020.2, NM_001256021.2 and 1 more transcripts); short protein forms K238R.
Identifiers: ClinVar variation 1757335 (VCV001757335.3), dbSNP rs759819284, ClinGen allele CA3984304.

ClinVar aggregate classification (germline): Uncertain significance. Review status: criteria provided, multiple submitters, no conflicts (2 of 4 stars). 2 submissions from 2 submitters: Uncertain significance (2). Last evaluated 2025-04-24.

Conditions:
Catecholaminergic polymorphic ventricular tachycardia 1. Also called: VENTRICULAR TACHYCARDIA, CATECHOLAMINERGIC POLYMORPHIC, 1, WITH OR WITHOUT ATRIAL DYSFUNCTION AND/OR DILATED CARDIOMYOPATHY; VENTRICULAR TACHYCARDIA, STRESS-INDUCED POLYMORPHIC 1; RYR2-Related Catecholaminergic Polymorphic Ventricular Tachycardia. Identifiers: Orphanet 3286, MedGen C1631597, MONDO:0011484, OMIM 604772.
Cardiovascular phenotype. Identifiers: MedGen CN230736.

Allele frequency attached by ClinVar (database versions not stated): ExAC 0.00001; gnomAD 0.00001.
gnomAD v4.1: 7 of 1,613,028 alleles (0.00043%); highest among the groups gnomAD compares: Non-Finnish European, 0.00059%; no homozygotes.

Submissions (2):

Labcorp Genetics (formerly Invitae), Labcorp
Classification: Uncertain significance for Catecholaminergic polymorphic ventricular tachycardia 1. Last evaluated: 2025-04-24. Review status: criteria provided, single submitter. Criteria: Invitae Variant Classification Sherloc (09022015). Collection method: clinical testing. Allele origin: germline.
Comment: This sequence change replaces lysine, which is basic and polar, with arginine, which is basic and polar, at codon 238 of the TRDN protein (p.Lys238Arg). This variant is not present in population databases (gnomAD no frequency). This variant has not been reported in the literature in individuals affected with TRDN-related conditions. ClinVar contains an entry for this variant (Variation ID: 1757335). Invitae Evidence Modeling of protein sequence and biophysical properties (such as structural, functional, and spatial information, amino acid conservation, physicochemical variation, residue mobility, and thermodynamic stability) indicates that this missense variant is not expected to disrupt TRDN protein function with a negative predictive value of 80%. In summary, the available evidence is currently insufficient to determine the role of this variant in disease. Therefore, it has been classified as a Variant of Uncertain Significance.

Ambry Genetics
Classification: Uncertain significance for Cardiovascular phenotype. Last evaluated: 2022-04-01. Review status: criteria provided, single submitter. Criteria: Ambry Variant Classification Scheme 2023. Collection method: clinical testing. Allele origin: germline.
Comment: The p.K238R variant (also known as c.713A>G), located in coding exon 8 of the TRDN gene, results from an A to G substitution at nucleotide position 713. The lysine at codon 238 is replaced by arginine, an amino acid with highly similar properties. This amino acid position is conserved. In addition, this alteration is predicted to be tolerated by in silico analysis. Since supporting evidence is limited at this time, the clinical significance of this alteration remains unclear.